The following is an entry in ClinVar:

NM_006231.4(POLE):c.3027G>A (p.Val1009=)

Gene: POLE (DNA polymerase epsilon, catalytic subunit; minus strand). Cytogenetic location: 12q24.33.
Variant type: single nucleotide variant.
Coding change: c.3027G>A on transcript NM_006231.4 (MANE Select); coding-DNA position 3027, G replaced by A.
Protein change: p.Val1009=; no amino-acid change (valine 1009 retained).
Molecular consequence: synonymous variant.
Genome position (GRCh38, 1-based): chr12:132,661,002, C>T on the plus strand (G>A on the coding strand, the complement: POLE is on the minus strand). VCF-style: chr12-132661002-C-T. GRCh37 (hg19) VCF-style: chr12-133237588-C-T.
Other names: c.3027G>A (NM_006231.2).
Identifiers: ClinVar variation 1128303 (VCV001128303.10), dbSNP rs1057521358, ClinGen allele CA482734377.

ClinVar aggregate classification (germline): Conflicting classifications of pathogenicity. Review status: criteria provided, conflicting classifications (1 of 4 stars). 2 submissions from 2 submitters: Uncertain significance (1); Likely benign (1). Last evaluated 2025-05-26.

Conditions:
Hereditary cancer-predisposing syndrome. Also called: Hereditary neoplastic syndrome; Hereditary Cancer Syndrome; Tumor predisposition; Neoplastic Syndromes, Hereditary. Identifiers: Orphanet 140162, MedGen C0027672, MeSH D009386, MONDO:0015356.

Allele frequency attached by ClinVar (database versions not stated): TOPMed below 0.00001.

Submissions (2):

Labcorp Genetics (formerly Invitae), Labcorp
Classification: Likely benign. Last evaluated: 2025-05-26. Review status: criteria provided, single submitter. Criteria: Invitae Variant Classification Sherloc (09022015). Collection method: clinical testing. Allele origin: germline.

Ambry Genetics
Classification: Uncertain significance for Hereditary cancer-predisposing syndrome. Last evaluated: 2025-04-11. Review status: criteria provided, single submitter. Criteria: Ambry Variant Classification Scheme 2023. Collection method: clinical testing. Allele origin: germline.
Comment: The c.3027G>A variant (also known as p.V1009V), located in coding exon 25 of the POLE gene, results from a G to A substitution at nucleotide position 3027. This nucleotide substitution does not change the amino acid at codon 1009. This nucleotide position is well conserved in available vertebrate species. In silico splice site analysis for this alteration is inconclusive. Based on the available evidence, the clinical significance of this variant remains unclear.